The following is an entry in ClinVar:

ClinVar aggregate classification (germline): Uncertain significance (1 of 4 stars; one submission).

Conditions:
Combined immunodeficiency due to OX40 deficiency. Also called: OX40 DEFICIENCY; Immunodeficiency 16. Identifiers: Orphanet 431149, MedGen C3810053, MONDO:0014268, OMIM 615593.

Allele frequency attached by ClinVar (database versions not stated): gnomAD exomes 0.00002 and 0.00003; TOPMed 0.00002; gnomAD 0.00003; ExAC 0.00004.
gnomAD v4.1: 37 of 1,586,796 alleles (0.0023%); highest among the groups gnomAD compares: Non-Finnish European, 0.0029%; no homozygotes.

Submission:

Labcorp Genetics (formerly Invitae), Labcorp
Classification: Uncertain significance for Combined immunodeficiency due to OX40 deficiency. Last evaluated: 2025-06-29. Review status: criteria provided, single submitter. Criteria: Invitae Variant Classification Sherloc (09022015). Collection method: clinical testing. Allele origin: germline.
Comment: This sequence change replaces proline, which is neutral and non-polar, with serine, which is neutral and polar, at codon 12 of the TNFRSF4 protein (p.Pro12Ser). This variant is present in population databases (rs746209318, gnomAD 0.007%). This variant has not been reported in the literature in individuals affected with TNFRSF4-related conditions. ClinVar contains an entry for this variant (Variation ID: 654359). Experimental studies and prediction algorithms are not available or were not evaluated, and the functional significance of this variant is currently unknown. In summary, the available evidence is currently insufficient to determine the role of this variant in disease. Therefore, it has been classified as a Variant of Uncertain Significance.

NM_003327.4(TNFRSF4):c.34C>T (p.Pro12Ser)

Gene: TNFRSF4 (TNF receptor superfamily member 4; minus strand). Cytogenetic location: 1p36.33.
Variant type: single nucleotide variant.
Coding change: c.34C>T on transcript NM_003327.4 (MANE Select); coding-DNA position 34, C replaced by T.
Protein change: p.Pro12Ser; replaces proline 12 with serine.
Molecular consequence: missense variant.
Genome position (GRCh38, 1-based): chr1:1,214,094, G>A on the plus strand (C>T on the coding strand, the complement: TNFRSF4 is on the minus strand). VCF-style: chr1-1214094-G-A. GRCh37 (hg19) VCF-style: chr1-1149474-G-A.
Other names: c.34C>T, p.Pro12Ser (LRG_1319t1); short protein forms P12S.
Identifiers: ClinVar variation 654359 (VCV000654359.8), dbSNP rs746209318, ClinGen allele CA512702.